The following is an entry in ClinVar:

NM_001291867.2(NHS):c.503A>G (p.Gln168Arg)

Gene: NHS (NHS actin remodeling regulator; plus strand). Cytogenetic location: Xp22.2.
Variant type: single nucleotide variant.
Coding change: c.503A>G on transcript NM_001291867.2 (MANE Select); coding-DNA position 503, A replaced by G.
Protein change: p.Gln168Arg; replaces glutamine 168 with arginine.
Molecular consequence: missense variant.
Genome position (GRCh38, 1-based): chrX:17,376,260, A>G. VCF-style: chrX-17376260-A-G. GRCh37 (hg19) VCF-style: chrX-17394383-A-G.
Other names: c.503A>G, p.Gln168Arg (NM_198270.4); short protein forms Q168R.
Identifiers: ClinVar variation 435994 (VCV000435994.8), dbSNP rs769860109, ClinGen allele CA10358457.

ClinVar aggregate classification (germline): Uncertain significance. Review status: criteria provided, multiple submitters, no conflicts (2 of 4 stars). 2 submissions from 2 submitters: Uncertain significance (2). Last evaluated 2024-12-17.

Conditions:
Nance-Horan syndrome (NHS). Identifiers: Orphanet 627, MedGen C0796085, MONDO:0010545, OMIM 302350.

Allele frequency attached by ClinVar (database versions not stated): ExAC below 0.00001; gnomAD exomes 0.00001 and 0.00003; gnomAD 0.00002; TOPMed 0.00002.
gnomAD v4.1: 11 of 1,169,623 alleles (0.00094%); highest among the groups gnomAD compares: Admixed American, 0.012%; no homozygotes.

Submissions (2):

Labcorp Genetics (formerly Invitae), Labcorp
Classification: Uncertain significance for Nance-Horan syndrome. Last evaluated: 2024-12-17. Review status: criteria provided, single submitter. Criteria: Invitae Variant Classification Sherloc (09022015). Collection method: clinical testing. Allele origin: germline.
Comment: This sequence change replaces glutamine, which is neutral and polar, with arginine, which is basic and polar, at codon 168 of the NHS protein (p.Gln168Arg). The frequency data for this variant in the population databases is considered unreliable, as metrics indicate poor data quality at this position in the gnomAD database. This variant has not been reported in the literature in individuals affected with NHS-related conditions. ClinVar contains an entry for this variant (Variation ID: 435994). An algorithm developed to predict the effect of missense changes on protein structure and function (PolyPhen-2) suggests that this variant¬¨‚Ä†is likely to be tolerated. In summary, the available evidence is currently insufficient to determine the role of this variant in disease. Therefore, it has been classified as a Variant of Uncertain Significance.

Genetic Services Laboratory, University of Chicago
Classification: Uncertain significance. Last evaluated: 2016-03-25. Review status: criteria provided, single submitter. Criteria: ACMG Guidelines, 2015. Collection method: clinical testing. Allele origin: germline. Affected: no.